The following is an entry in ClinVar:

ClinVar aggregate classification (germline): Uncertain significance. Review status: criteria provided, multiple submitters, no conflicts (2 of 4 stars). 2 submissions from 2 submitters: Uncertain significance (2). Last evaluated 2025-07-21.

Conditions:
Idiopathic generalized epilepsy. Also called: EIG; Generalised epilepsy. Identifiers: MedGen C0270850, MONDO:0005579, OMIM 600669.
Hyperaldosteronism, familial, type IV (HALD4). Also called: FH IV; ALDOSTERONISM, PRIMARY, AND HYPERTENSION. Identifiers: Orphanet 642671, MedGen C4310756, MONDO:0014875, OMIM 617027.
Epilepsy, childhood absence, susceptibility to, 6. Identifiers: Orphanet 64280, MedGen C2749872, MONDO:0012763, OMIM 611942.

Submissions (2):

Labcorp Genetics (formerly Invitae), Labcorp
Classification: Uncertain significance for Idiopathic generalized epilepsy; Hyperaldosteronism, familial, type IV. Last evaluated: 2025-07-21. Review status: criteria provided, single submitter. Criteria: Invitae Variant Classification Sherloc (09022015). Collection method: clinical testing. Allele origin: germline.
Comment: This variant, c.242_244del, results in the deletion of 1 amino acid(s) of the CACNA1H protein (p.Phe81del), but otherwise preserves the integrity of the reading frame. This variant is present in population databases (no rsID available, gnomAD 0.01%). This variant has not been reported in the literature in individuals affected with CACNA1H-related conditions. ClinVar contains an entry for this variant (Variation ID: 935447). Experimental studies and prediction algorithms are not available or were not evaluated, and the functional significance of this variant is currently unknown. In summary, the available evidence is currently insufficient to determine the role of this variant in disease. Therefore, it has been classified as a Variant of Uncertain Significance.

Fulgent Genetics
Classification: Uncertain significance for Epilepsy, childhood absence, susceptibility to, 6; Hyperaldosteronism, familial, type IV. Last evaluated: 2024-04-11. Review status: criteria provided, single submitter. Criteria: ACMG Guidelines, 2015. Collection method: clinical testing. Allele origin: germline.

NM_021098.3(CACNA1H):c.236TCT[2] (p.Phe81del)

Gene: CACNA1H (calcium voltage-gated channel subunit alpha1 H; plus strand). Cytogenetic location: 16p13.3.
Variant type: Microsatellite.
Coding change: c.236TCT[2] on transcript NM_021098.3 (MANE Select); two copies in a row of the 3-base unit TCT starting at c.236; the reference has three copies in a row; one copy, 3 bases deleted; also written c.242_244del.
Protein change: p.Phe81del; deletes phenylalanine 81.
Molecular consequence: inframe deletion.
Genome position (GRCh38, 1-based): chr16:1,153,979-1,153,981, TCT deleted; deleting any 3 consecutive bases within chr16:1,153,973-1,153,981 gives the same sequence; the position shown is the placement nearest the transcript's 3' end. VCF-style (leftmost placement, unchanged base first): chr16-1153972-GTCT-G. GRCh37 (hg19) VCF-style: chr16-1203972-GTCT-G.
Other names: c.236TCT[2], p.Phe81del (NM_001005407.2); c.242_244del (NM_021098.3); short protein forms F81del.
Identifiers: ClinVar variation 935447 (VCV000935447.11), dbSNP rs1420201619, ClinGen allele CA620652350.